The following is an entry in ClinVar:

ClinVar aggregate classification (germline): Uncertain significance (1 of 4 stars; one submission).

Submission:

GeneDx
Classification: Uncertain significance. Last evaluated: 2025-08-07. Review status: criteria provided, single submitter. Criteria: GeneDx Variant Classification Process June 2021. Collection method: clinical testing. Allele origin: germline. Affected: yes.
Comment: Not observed at significant frequency in large population cohorts (gnomAD); Has not been previously published as pathogenic or benign to our knowledge; Frameshift variant predicted to result in protein truncation or nonsense mediated decay in a gene for which loss-of-function is not a known mechanism of disease

NM_138383.3(MTSS2):c.898_901del (p.Ser300fs)

Gene: MTSS2 (MTSS I-BAR domain containing 2; minus strand). Cytogenetic location: 16q22.1.
Variant type: Deletion.
Coding change: c.898_901del on transcript NM_138383.3 (MANE Select); coding-DNA positions 898 to 901, 4 bases deleted (TCAC; older notation c.898_901delTCAC).
Protein change: p.Ser300fs; shifts the reading frame from serine 300.
Molecular consequence: frameshift variant.
Genome position (GRCh38, 1-based): chr16:70,674,458-70,674,461, GTGA deleted on the plus strand (TCAC on the coding strand, the reverse complement: MTSS2 is on the minus strand); deleting any 4 consecutive bases within chr16:70,674,458-70,674,463 gives the same sequence; the c. name uses the placement nearest the transcript's 3' end. VCF-style (leftmost placement, unchanged base first): chr16-70674457-GGTGA-G. GRCh37 (hg19) VCF-style: chr16-70708360-GGTGA-G.
Other names: short protein forms S300fs.
Identifiers: ClinVar variation 4755625 (VCV004755625.1).